The following is an entry in ClinVar:

ClinVar aggregate classification (germline): Likely benign (1 of 4 stars; one submission).

Allele frequency attached by ClinVar (database versions not stated): gnomAD exomes 0.00001; gnomAD 0.00004; TOPMed 0.00004; ExAC 0.00005; ESP Exome Variant Server 0.00009.
gnomAD v4.1: 18 of 1,210,504 alleles (0.0015%); highest among the groups gnomAD compares: African/African-American, 0.007%; no homozygotes.

Submission:

CeGaT Center for Human Genetics Tuebingen
Classification: Likely benign. Last evaluated: 2022-12-01. Review status: criteria provided, single submitter. Criteria: CeGaT Center For Human Genetics Tuebingen Variant Classification Criteria Version 2. Collection method: clinical testing. Allele origin: germline. Affected: yes. Observed: 1 variant allele.
Comment: PPP1R3F: BP4, BP7, BS2

NM_033215.5(PPP1R3F):c.2346C>T (p.Ser782=)

Gene: PPP1R3F (protein phosphatase 1 regulatory subunit 3F; plus strand). Cytogenetic location: Xp11.23.
Variant type: single nucleotide variant.
Coding change: c.2346C>T on transcript NM_033215.5 (MANE Select); coding-DNA position 2346, C replaced by T.
Protein change: p.Ser782=; no amino-acid change (serine 782 retained).
Molecular consequence: synonymous variant.
Genome position (GRCh38, 1-based): chrX:49,287,036, C>T. VCF-style: chrX-49287036-C-T. GRCh37 (hg19) VCF-style: chrX-49143498-C-T.
Other names: c.1308C>T, p.Ser436= (NM_001184745.2).
Identifiers: ClinVar variation 2660534 (VCV002660534.24), dbSNP rs373139942, ClinGen allele CA10412245.